The following is an entry in ClinVar:

ClinVar aggregate classification (germline): Uncertain significance (1 of 4 stars; one submission).

Conditions:
Dilated cardiomyopathy 1II (CMD1II). Identifiers: Orphanet 154, MedGen C3554649, MONDO:0014073, OMIM 615184.

Allele frequency attached by ClinVar (database versions not stated): gnomAD 0.00001.
gnomAD v4.1: 1 of 1,613,680 alleles (0.000062%); highest among the groups gnomAD compares: Admixed American, 0.0017%; no homozygotes.

Submission:

Labcorp Genetics (formerly Invitae), Labcorp
Classification: Uncertain significance for Dilated cardiomyopathy 1II. Last evaluated: 2022-09-01. Review status: criteria provided, single submitter. Criteria: Invitae Variant Classification Sherloc (09022015). Collection method: clinical testing. Allele origin: germline.
Comment: In summary, the available evidence is currently insufficient to determine the role of this variant in disease. Therefore, it has been classified as a Variant of Uncertain Significance. Algorithms developed to predict the effect of missense changes on protein structure and function are either unavailable or do not agree on the potential impact of this missense change (SIFT: "Tolerated"; PolyPhen-2: "Probably Damaging"; Align-GVGD: "Class C0"). ClinVar contains an entry for this variant (Variation ID: 477735). This variant has not been reported in the literature in individuals affected with CRYAB-related conditions. This variant is not present in population databases (gnomAD no frequency). This sequence change replaces glycine, which is neutral and non-polar, with aspartic acid, which is acidic and polar, at codon 154 of the CRYAB protein (p.Gly154Asp).

NM_001289808.2(CRYAB):c.461G>A (p.Gly154Asp)

Gene: CRYAB (crystallin alpha B; minus strand). Cytogenetic location: 11q23.1.
Variant type: single nucleotide variant.
Coding change: c.461G>A on transcript NM_001289808.2 (MANE Select); coding-DNA position 461, G replaced by A.
Protein change: p.Gly154Asp; replaces glycine 154 with aspartic acid.
Molecular consequence: missense variant.
Genome position (GRCh38, 1-based): chr11:111,908,831, C>T on the plus strand (G>A on the coding strand, the complement: CRYAB is on the minus strand). VCF-style: chr11-111908831-C-T. GRCh37 (hg19) VCF-style: chr11-111779555-C-T.
Other names: c.461G>A, p.Gly154Asp (NM_001289807.1, NM_001368245.1, NM_001885.3); c.260G>A, p.Gly87Asp (NM_001330379.1, NM_001368246.1); short protein forms G154D, G87D.
Identifiers: ClinVar variation 477735 (VCV000477735.8), dbSNP rs1555165228, ClinGen allele CA382595805.